The following is an entry in ClinVar:

ClinVar aggregate classification (germline): Likely benign. Review status: criteria provided, single submitter (1 of 4 stars). 2 submissions from 2 submitters: Likely benign (1). 1 of the submissions does not count toward it. Last evaluated 2024-04-01.

Conditions:
DMBT1-related disorder. Also called: DMBT1-related condition.

Allele frequency attached by ClinVar (database versions not stated): 1000 Genomes Project 0.00020; 1000 Genomes Project 30x 0.00031; TOPMed 0.00061; ESP Exome Variant Server 0.00106.
gnomAD v4.1: 1,321 of 1,588,580 alleles (0.083%); highest among the groups gnomAD compares: Middle Eastern, 0.1%; 139 homozygotes.

Submissions (2):

CeGaT Center for Human Genetics Tuebingen
Classification: Likely benign. Last evaluated: 2024-04-01. Review status: criteria provided, single submitter. Criteria: CeGaT Center For Human Genetics Tuebingen Variant Classification Criteria Version 2. Collection method: clinical testing. Allele origin: germline. Affected: yes. Observed: 4 variant alleles.
Comment: DMBT1: BP4, BS2

PreventionGenetics, part of Exact Sciences
Classification: Likely benign for DMBT1-related condition. Last evaluated: 2019-04-10. Review status: no assertion criteria provided. Collection method: clinical testing. Allele origin: germline. Not counted in ClinVar's aggregate classification.
Comment: This variant is classified as likely benign based on ACMG/AMP sequence variant interpretation guidelines (Richards et al. 2015 PMID: 25741868, with internal and published modifications).

NM_001377530.1(DMBT1):c.1946C>T (p.Thr649Met)

Gene: DMBT1 (deleted in malignant brain tumors 1; plus strand). Cytogenetic location: 10q26.13.
Variant type: single nucleotide variant.
Coding change: c.1946C>T on transcript NM_001377530.1 (MANE Select); coding-DNA position 1946, C replaced by T.
Protein change: p.Thr649Met; replaces threonine 649 with methionine.
Molecular consequence: missense variant. On other transcripts: intron variant (1).
Genome position (GRCh38, 1-based): chr10:122,589,106, C>T. VCF-style: chr10-122589106-C-T. GRCh37 (hg19) VCF-style: chr10-124348622-C-T.
Other names: c.1946C>T (NM_007329.2); c.1946C>T, p.Thr649Met (NM_001320644.2, NM_007329.3); c.1916C>T, p.Thr639Met (NM_017579.3); c.1420+4755C>T (NM_004406.3); short protein forms T639M, T649M.
Identifiers: ClinVar variation 2640924 (VCV002640924.25), dbSNP rs189478437, ClinGen allele CA5726973.